The following is an entry in ClinVar:

ClinVar aggregate classification (germline): Uncertain significance. Review status: criteria provided, multiple submitters, no conflicts (2 of 4 stars). 2 submissions from 2 submitters: Uncertain significance (2). Last evaluated 2026-04-10.

gnomAD v4.1: 21 of 1,612,008 alleles (0.0013%); highest among the groups gnomAD compares: Admixed American, 0.017%; no homozygotes.

Submissions (2):

GeneDx
Classification: Uncertain significance. Last evaluated: 2026-04-10. Review status: criteria provided, single submitter. Criteria: GeneDx Variant Classification Process June 2021. Collection method: clinical testing. Allele origin: germline.
Comment: Not observed at significant frequency in large population cohorts (gnomAD); In silico analysis suggests that this missense variant does not alter protein structure/function; Has not been previously published as pathogenic or benign to our knowledge

Ambry Genetics
Classification: Uncertain significance. Last evaluated: 2025-06-26. Review status: criteria provided, single submitter. Criteria: Ambry Variant Classification Scheme 2023. Collection method: clinical testing. Allele origin: germline.

NM_002972.4(SBF1):c.3239A>G (p.His1080Arg)

Gene: SBF1 (SET binding factor 1; minus strand). Cytogenetic location: 22q13.33.
Variant type: single nucleotide variant.
Coding change: c.3239A>G on transcript NM_002972.4 (MANE Select); coding-DNA position 3239, A replaced by G.
Protein change: p.His1080Arg; replaces histidine 1080 with arginine.
Molecular consequence: missense variant.
Genome position (GRCh38, 1-based): chr22:50,460,316, T>C on the plus strand (A>G on the coding strand, the complement: SBF1 is on the minus strand). VCF-style: chr22-50460316-T-C. GRCh37 (hg19) VCF-style: chr22-50898745-T-C.
Other names: c.3242A>G, p.His1081Arg (NM_001365819.1, NM_001410794.1); c.3239A>G, p.His1080Arg (NM_001410795.1); short protein forms H1080R, H1081R.
Identifiers: ClinVar variation 4159841 (VCV004159841.2).